The following is an entry in ClinVar:

NM_001365902.3(NFIX):c.335G>T (p.Gly112Val)

Gene: NFIX (nuclear factor I X; plus strand). Cytogenetic location: 19p13.13.
Variant type: single nucleotide variant.
Coding change: c.335G>T on transcript NM_001365902.3 (MANE Select); coding-DNA position 335, G replaced by T.
Protein change: p.Gly112Val; replaces glycine 112 with valine.
Molecular consequence: missense variant.
Genome position (GRCh38, 1-based): chr19:13,025,328, G>T. VCF-style: chr19-13025328-G-T. GRCh37 (hg19) VCF-style: chr19-13136142-G-T.
Other names: c.359G>T, p.Gly120Val (NM_001271043.2); c.311G>T, p.Gly104Val (NM_001271044.3, NM_001378404.1); c.335G>T, p.Gly112Val (NM_001365982.2, NM_002501.4); c.194G>T, p.Gly65Val (NM_001365983.2); c.332G>T, p.Gly111Val (NM_001365984.2, NM_001365985.2); c.383G>T, p.Gly128Val (NM_001378405.1); c.335G>T (NM_002501.2); short protein forms G104V, G111V, G112V, G120V, G128V, G65V.
Identifiers: ClinVar variation 1320189 (VCV001320189.5), dbSNP rs2145192509, ClinGen allele CA404314402.

ClinVar aggregate classification (germline): Conflicting classifications of pathogenicity. Review status: criteria provided, conflicting classifications (1 of 4 stars). 3 submissions from 3 submitters: Likely pathogenic (1); Uncertain significance (2). Last evaluated 2025-08-31.

Conditions:
Malan overgrowth syndrome (MALNS). Also called: NFIX-Related Malan Syndrome; MALAN SYNDROME; Sotos syndrome 2. Identifiers: Orphanet 420179, MedGen C3553660, MONDO:0013885, OMIM 614753.
Marshall-Smith syndrome (MRSHSS). Identifiers: Orphanet 561, MedGen C0265211, MONDO:0011244, OMIM 602535.
Inborn genetic diseases. Identifiers: MedGen C0950123, MeSH D030342.

Submissions (3):

Ambry Genetics
Classification: Uncertain significance for Inborn genetic diseases. Last evaluated: 2025-08-31. Review status: criteria provided, single submitter. Criteria: Ambry Variant Classification Scheme 2023. Collection method: clinical testing. Allele origin: germline.

Labcorp Genetics (formerly Invitae), Labcorp
Classification: Uncertain significance for Malan overgrowth syndrome; Marshall-Smith syndrome. Last evaluated: 2022-12-25. Review status: criteria provided, single submitter. Criteria: Invitae Variant Classification Sherloc (09022015). Collection method: clinical testing. Allele origin: germline.
Comment: In summary, the available evidence is currently insufficient to determine the role of this variant in disease. Therefore, it has been classified as a Variant of Uncertain Significance. Algorithms developed to predict the effect of missense changes on protein structure and function are either unavailable or do not agree on the potential impact of this missense change (SIFT: "Deleterious"; PolyPhen-2: "Not Available"; Align-GVGD: "Class C0"). ClinVar contains an entry for this variant (Variation ID: 1320189). This variant has not been reported in the literature in individuals affected with NFIX-related conditions. This variant is not present in population databases (gnomAD no frequency). This sequence change replaces glycine, which is neutral and non-polar, with valine, which is neutral and non-polar, at codon 120 of the NFIX protein (p.Gly120Val).

3billion
Classification: Likely pathogenic for Malan overgrowth syndrome. Last evaluated: 2021-10-02. Review status: criteria provided, single submitter. Criteria: ACMG Guidelines, 2015. Collection method: clinical testing. Allele origin: germline. Affected: yes. Observed: 1 heterozygote.
Comment: The missense variant is located in a mutational hot spot and/or well-established functional domain in which established pathogenic variants have been reported (PM1). It is not observed in the gnomAD v2.1.1 dataset (PM2). The variant was observed as assumed (i.e. paternity and maternity not confirmed) de novoo (3billion dataset, PM6). In silico tool predictions suggest damaging effect of the variant on gene or gene product (REVEL: 0.836, 3Cnet: 0.999, PP3). Therefore, this variant is classified as likely pathogenic according to the recommendation of ACMG/AMP guideline.